The following is an entry in ClinVar:

NM_001365276.2(TNXB):c.10606+1G>A

Gene: TNXB (tenascin XB; minus strand). Cytogenetic location: 6p21.33.
Variant type: single nucleotide variant.
Coding change: c.10606+1G>A on transcript NM_001365276.2 (MANE Select); the canonical splice donor site of the intron after coding-DNA position 10606, G replaced by A.
Molecular consequence: splice donor variant.
Genome position (GRCh38, 1-based): chr6:32,046,174, C>T on the plus strand (G>A on the coding strand, the complement: TNXB is on the minus strand). VCF-style: chr6-32046174-C-T. GRCh37 (hg19) VCF-style: chr6-32013951-C-T.
Other names: c.10600+1G>A (NM_019105.8); c.11347+1G>A (NM_001428335.1).
Identifiers: ClinVar variation 3776343 (VCV003776343.1).

ClinVar aggregate classification (germline): Likely pathogenic (1 of 4 stars; one submission).

Submission:

GeneDx
Classification: Likely pathogenic. Last evaluated: 2025-04-07. Review status: criteria provided, single submitter. Criteria: GeneDx Variant Classification Process June 2021. Collection method: clinical testing. Allele origin: germline. Affected: yes.
Comment: Has not been previously published as pathogenic or benign to our knowledge; Not observed at significant frequency in large population cohorts (gnomAD); Canonical splice site variant predicted to result in an in-frame loss of the adjacent exon in a gene for which loss of function is a known mechanism of disease